The following is an entry in ClinVar:

ClinVar aggregate classification (germline): Uncertain significance (1 of 4 stars; one submission).

gnomAD v4.1: 1 of 1,613,846 alleles (0.000062%); highest among the groups gnomAD compares: Non-Finnish European, 0.000085%; no homozygotes.

Submission:

GeneDx
Classification: Uncertain significance. Last evaluated: 2025-07-15. Review status: criteria provided, single submitter. Criteria: GeneDx Variant Classification Process June 2021. Collection method: clinical testing. Allele origin: germline. Affected: yes.
Comment: Not observed at significant frequency in large population cohorts (gnomAD); In silico analysis suggests that this missense variant does not alter protein structure/function; Has not been previously published as pathogenic or benign to our knowledge

NM_015001.3(SPEN):c.8383G>C (p.Asp2795His)

Gene: SPEN (spen family transcriptional repressor; plus strand). Cytogenetic location: 1p36.13.
Variant type: single nucleotide variant.
Coding change: c.8383G>C on transcript NM_015001.3 (MANE Select); coding-DNA position 8383, G replaced by C.
Protein change: p.Asp2795His; replaces aspartic acid 2795 with histidine.
Molecular consequence: missense variant.
Genome position (GRCh38, 1-based): chr1:15,934,623, G>C. VCF-style: chr1-15934623-G-C. GRCh37 (hg19) VCF-style: chr1-16261118-G-C.
Other names: short protein forms D2795H.
Identifiers: ClinVar variation 4686289 (VCV004686289.1).